The following is an entry in ClinVar:

ClinVar aggregate classification (germline): Uncertain significance (1 of 4 stars; one submission).

Conditions:
Inborn genetic diseases. Identifiers: MedGen C0950123, MeSH D030342.

Submission:

Ambry Genetics
Classification: Uncertain significance for Hereditary disease. Last evaluated: 2017-03-28. Review status: criteria provided, single submitter. Criteria: ambry_reporting_categories_2017. Collection method: clinical testing. Allele origin: germline. Affected: yes. Observed: 1 heterozygote. Segregation with disease observed.
Comment: Lines of evidence used in support of classification: UNCERTAIN: Alteration(s) of Uncertain Clinical Significance Detected

Literature cited by the submitters: PubMed 20725928; PubMed 20208537; PubMed 25401298; PubMed 22022284; PubMed 28449981; PubMed 28453519.

NM_006796.3(AFG3L2):c.1994_1995delinsTT (p.Gly665Val)

Gene: AFG3L2 (AFG3 like matrix AAA peptidase subunit 2; minus strand). Cytogenetic location: 18p11.21.
Variant type: Indel.
Coding change: c.1994_1995delinsTT on transcript NM_006796.3 (MANE Select); coding-DNA positions 1994 to 1995, GC replaced by TT.
Protein change: p.Gly665Val; replaces glycine 665 with valine.
Molecular consequence: missense variant.
Genome position (GRCh38, 1-based): chr18:12,337,521-12,337,522, GC replaced by AA on the plus strand (GC replaced by TT on the coding strand, the reverse complement: AFG3L2 is on the minus strand). VCF-style: chr18-12337521-GC-AA. GRCh37 (hg19) VCF-style: chr18-12337520-GC-AA.
Other names: c.1994_1995delGCinsTT (NM_006796.2); short protein forms G665V.
Identifiers: ClinVar variation 521530 (VCV000521530.3), dbSNP rs1555670560, ClinGen allele CA658799001.
Genomic context (GRCh38, chr18:12,337,521, plus strand): 5'-CAATACCATGTCCCCCTGACGTGGGAGGTCAAAGGAGATTTGCCCAACCTTTTCATTCAT[GC>AA]CAAACTGAACAATCTGAAAAATACATAATTAGTGGTGATTACATATGATTGTTCTTTAAC-3'
Protein context (NP_006787.2, residues 655-675): QSAYAQIVQF[Gly665Val]MNEKVGQISF